The following is an entry in ClinVar:

NC_000007.13:g.(?_66094032)_(66105401_?)dup

Genes: KCTD7 (potassium channel tetramerization domain containing 7; plus strand), LOC129998533 (ATAC-STARR-seq lymphoblastoid silent region 18210; plus strand), LOC129998534 (ATAC-STARR-seq lymphoblastoid active region 26084; plus strand), LOC129998535 (ATAC-STARR-seq lymphoblastoid active region 26085; plus strand). Cytogenetic location: 7q11.21.
Variant type: Duplication.
Identifiers: ClinVar variation 640465 (VCV000640465.2).

ClinVar aggregate classification (germline): Uncertain significance (1 of 4 stars; one submission).

Conditions:
Progressive myoclonic epilepsy type 3. Also called: KCTD7-Related Progressive Myoclonic Epilepsy; EPILEPSY, PROGRESSIVE MYOCLONIC, 3, WITHOUT INTRACELLULAR INCLUSIONS; EPILEPSY, PROGRESSIVE MYOCLONIC, 3, WITH OR WITHOUT INTRACELLULAR INCLUSIONS; CEROID LIPOFUSCINOSIS, NEURONAL, 14. Identifiers: Orphanet 263516, MedGen C2673257, MONDO:0012721, OMIM 611726.

Submission:

Labcorp Genetics (formerly Invitae), Labcorp
Classification: Uncertain significance for Epilepsy, progressive myoclonic 3. Last evaluated: 2019-11-06. Review status: criteria provided, single submitter. Criteria: Invitae Variant Classification Sherloc (09022015). Collection method: clinical testing. Allele origin: germline.
Comment: This variant results in a copy number gain of the genomic region encompassing the full coding sequence of the KCTD7 gene. The boundaries of this event are unknown as they extend beyond the assayed region for this gene and therefore may encompass additional genes. As the precise location of this event is unknown, it may be in tandem or it may be located elsewhere in the genome. Similar variants have not been reported in the literature in individuals with KCTD7-related disease. In summary, the available evidence is currently insufficient to determine the role of this variant in disease. Therefore, it has been classified as a Variant of Uncertain Significance.